The following is an entry in ClinVar:

ClinVar aggregate classification (germline): Pathogenic (1 of 4 stars; one submission).

Conditions:
Nephronophthisis 15 (NPHP15). Identifiers: Orphanet 3156, MedGen C3541853, MONDO:0013917, OMIM 614845.

Submission:

Labcorp Genetics (formerly Invitae), Labcorp
Classification: Pathogenic for Nephronophthisis 15. Last evaluated: 2023-10-30. Review status: criteria provided, single submitter. Criteria: Invitae Variant Classification Sherloc (09022015). Collection method: clinical testing. Allele origin: germline.
Comment: This sequence change creates a premature translational stop signal (p.Ser420Argfs*27) in the CEP164 gene. It is expected to result in an absent or disrupted protein product. Loss-of-function variants in CEP164 are known to be pathogenic (PMID: 22863007, 28125082, 32367404, 34132027, 34499853). This variant is not present in population databases (gnomAD no frequency). This variant has not been reported in the literature in individuals affected with CEP164-related conditions. For these reasons, this variant has been classified as Pathogenic.

Literature cited by the submitters: PubMed 22863007; PubMed 28125082; PubMed 32367404; PubMed 34132027; PubMed 34499853.

NM_014956.5(CEP164):c.1257del (p.Ser420fs)

Gene: CEP164 (centrosomal protein 164; plus strand). Cytogenetic location: 11q23.3.
Variant type: Deletion.
Coding change: c.1257del on transcript NM_014956.5 (MANE Select); coding-DNA position 1257, one base deleted (C; older notation c.1257delC).
Protein change: p.Ser420fs; shifts the reading frame from serine 420.
Molecular consequence: frameshift variant.
Genome position (GRCh38, 1-based): chr11:117,375,731, C deleted. VCF-style (leftmost placement, unchanged base first): chr11-117375730-TC-T. GRCh37 (hg19) VCF-style: chr11-117246446-TC-T.
Other names: c.1257del, p.Ser420fs (NM_001271933.2); short protein forms S420fs.
Identifiers: ClinVar variation 2773025 (VCV002773025.3), dbSNP rs2541382558, ClinGen allele CA2697558966.